The following is an entry in ClinVar:

ClinVar aggregate classification (germline): Likely benign (0 of 4 stars; one submission).

Conditions:
DNAH9-related disorder. Also called: DNAH9-related condition.

Allele frequency attached by ClinVar (database versions not stated): ExAC 0.00001; gnomAD 0.00001; gnomAD exomes 0.00001; TOPMed 0.00001.
gnomAD v4.1: 7 of 1,613,920 alleles (0.00043%); highest among the groups gnomAD compares: South Asian, 0.0011%; no homozygotes.

Submission:

PreventionGenetics, part of Exact Sciences
Classification: Likely benign for DNAH9-related condition. Last evaluated: 2023-01-12. Review status: no assertion criteria provided. Collection method: clinical testing. Allele origin: germline.
Comment: This variant is classified as likely benign based on ACMG/AMP sequence variant interpretation guidelines (Richards et al. 2015 PMID: 25741868, with internal and published modifications).

NM_001372.4(DNAH9):c.5026-7C>T

Gene: DNAH9 (dynein axonemal heavy chain 9; plus strand). Cytogenetic location: 17p12.
Variant type: single nucleotide variant.
Coding change: c.5026-7C>T on transcript NM_001372.4 (MANE Select); 7 bases into the intron before coding-DNA position 5026, C replaced by T.
Molecular consequence: intron variant.
Genome position (GRCh38, 1-based): chr17:11,701,115, C>T. VCF-style: chr17-11701115-C-T. GRCh37 (hg19) VCF-style: chr17-11604432-C-T.
Identifiers: ClinVar variation 3057964 (VCV003057964.2), dbSNP rs779894099, ClinGen allele CA8395890.
Genomic context (GRCh38, chr17:11,701,115, plus strand): 5'-AAGAAAATATGTAGGACTAACCAAAACTTCTCAGGCACCCAGTGTCTAACCTGAGTTGTT[C>T]TTTCAGGTAGAAATATGGCTGAACCATGTCCTTGGTCACATGAAGGCCACTGTGAGGCAT-3'